The following is an entry in ClinVar:

ClinVar aggregate classification (germline): Pathogenic (1 of 4 stars; one submission).

Conditions:
Neurofibromatosis, type 1 (NF1). Also called: Peripheral type neurofibromatosis; Neurofibromatosis, type I; VON RECKLINGHAUSEN DISEASE; NEUROFIBROMATOSIS, TYPE I, SOMATIC. Identifiers: Orphanet 636, MedGen C0027831, MONDO:0018975, OMIM 162200. Disease mechanism: loss of function.

Submission:

Labcorp Genetics (formerly Invitae), Labcorp
Classification: Pathogenic for Neurofibromatosis, type 1. Last evaluated: 2021-11-24. Review status: criteria provided, single submitter. Criteria: Invitae Variant Classification Sherloc (09022015). Collection method: clinical testing. Allele origin: germline.
Comment: For these reasons, this variant has been classified as Pathogenic. This variant has not been reported in the literature in individuals affected with NF1-related conditions. This variant is not present in population databases (gnomAD no frequency). This sequence change creates a premature translational stop signal (p.Gln27Thrfs*11) in the NF1 gene. It is expected to result in an absent or disrupted protein product. Loss-of-function variants in NF1 are known to be pathogenic (PMID: 10712197, 23913538).

Literature cited by the submitters: PubMed 10712197; PubMed 23913538.

NM_001042492.3(NF1):c.77dup (p.Gln27fs)

Gene: NF1 (neurofibromin 1; plus strand). Cytogenetic location: 17q11.2.
Variant type: Duplication.
Coding change: c.77dup on transcript NM_001042492.3 (MANE Select); coding-DNA position 77, one base duplicated (G; older notation c.77dupG).
Protein change: p.Gln27fs; shifts the reading frame from glutamine 27.
Molecular consequence: frameshift variant.
Genome position (GRCh38, 1-based): chr17:31,155,999, G duplicated; the last of 2 consecutive G bases (chr17:31,155,998-31,155,999); duplicating either gives the same sequence. VCF-style (leftmost placement, unchanged base first): chr17-31155997-A-AG. GRCh37 (hg19) VCF-style: chr17-29483015-A-AG.
Other names: c.77dup, p.Gln27Thrfs (NM_000267.4); c.77dup, p.Gln27fs (NM_001128147.3); short protein forms Q27fs.
Identifiers: ClinVar variation 1410712 (VCV001410712.6), dbSNP rs2143625360, ClinGen allele CA2573153518.